The following is an entry in ClinVar:

ClinVar aggregate classification (germline): Uncertain significance (1 of 4 stars; one submission).

Conditions:
Lipodystrophy, partial, acquired, susceptibility to (APLD). Also called: APLD, SUSCEPTIBILITY TO. Identifiers: MedGen C3887501, MONDO:0100476, OMIM 608709.
Progressive myoclonic epilepsy type 9. Identifiers: Orphanet 457265, MedGen C4225289, MONDO:0014685, OMIM 616540.

Allele frequency attached by ClinVar (database versions not stated): gnomAD exomes below 0.00001; ExAC 0.00001.
gnomAD v4.1: 2 of 1,613,900 alleles (0.00012%); highest among the groups gnomAD compares: South Asian, 0.0011%; no homozygotes.

Submission:

Labcorp Genetics (formerly Invitae), Labcorp
Classification: Uncertain significance for Progressive myoclonic epilepsy type 9; Lipodystrophy, partial, acquired, susceptibility to. Last evaluated: 2021-04-19. Review status: criteria provided, single submitter. Criteria: Invitae Variant Classification Sherloc (09022015). Collection method: clinical testing. Allele origin: germline.
Comment: This sequence change replaces glycine with aspartic acid at codon 569 of the LMNB2 protein (p.Gly569Asp). The glycine residue is highly conserved and there is a moderate physicochemical difference between glycine and aspartic acid. In summary, the available evidence is currently insufficient to determine the role of this variant in disease. Therefore, it has been classified as a Variant of Uncertain Significance. Algorithms developed to predict the effect of missense changes on protein structure and function are either unavailable or do not agree on the potential impact of this missense change (SIFT: "Tolerated"; PolyPhen-2: "Probably Damaging"; Align-GVGD: "Class C0"). This variant has not been reported in the literature in individuals with LMNB2-related conditions. This variant is present in population databases (rs745499299, ExAC 0.006%).

NM_032737.4(LMNB2):c.1706G>A (p.Gly569Asp)

Gene: LMNB2 (lamin B2; minus strand). Cytogenetic location: 19p13.3.
Variant type: single nucleotide variant.
Coding change: c.1706G>A on transcript NM_032737.4 (MANE Select); coding-DNA position 1706, G replaced by A.
Protein change: p.Gly569Asp; replaces glycine 569 with aspartic acid.
Molecular consequence: missense variant.
Genome position (GRCh38, 1-based): chr19:2,431,787, C>T on the plus strand (G>A on the coding strand, the complement: LMNB2 is on the minus strand). VCF-style: chr19-2431787-C-T. GRCh37 (hg19) VCF-style: chr19-2431785-C-T.
Other names: short protein forms G569D.
Identifiers: ClinVar variation 1356074 (VCV001356074.8), dbSNP rs745499299, ClinGen allele CA9067368.